The following is an entry in ClinVar:

ClinVar aggregate classification (germline): Likely pathogenic (1 of 4 stars; one submission).

Conditions:
Hereditary cancer-predisposing syndrome. Also called: Neoplastic Syndromes, Hereditary; Tumor predisposition; Hereditary Cancer Syndrome; Hereditary neoplastic syndrome. Identifiers: Orphanet 140162, MedGen C0027672, MeSH D009386, MONDO:0015356.

Submission:

Ambry Genetics
Classification: Likely pathogenic for Hereditary cancer-predisposing syndrome. Last evaluated: 2025-12-16. Review status: criteria provided, single submitter. Criteria: Ambry Variant Classification Scheme 2023. Collection method: clinical testing. Allele origin: germline.
Comment: The c.7451_7452insG variant, located in coding exon 15 of the APC gene, results from an insertion of one nucleotide at position 7451, causing a translational frameshift with a predicted alternate stop codon (p.S2485Kfs*6). This alteration occurs at the 3' terminus of the gene, is not expected to trigger nonsense-mediated mRNA decay, and impacts the last 12.6% of the protein. However, premature stop codons are typically deleterious in nature and a significant portion of the protein is affected (Ambry internal data). This variant is considered to be rare based on population cohorts in the Genome Aggregation Database (gnomAD). Based on the majority of available evidence to date, this variant is likely to be pathogenic.

NM_000038.6(APC):c.7451_7452insG (p.Ser2485fs)

Gene: APC (APC regulator of Wnt signaling pathway; plus strand). Cytogenetic location: 5q22.2.
Variant type: Insertion.
Coding change: c.7451_7452insG on transcript NM_000038.6 (MANE Select); coding-DNA positions 7451 to 7452, G inserted.
Protein change: p.Ser2485fs; shifts the reading frame from serine 2485.
Molecular consequence: frameshift variant. On other transcripts: non-coding transcript variant (2).
Genome position: GRCh38 VCF-style: chr5-112843045-T-TG. GRCh37 (hg19) VCF-style: chr5-112178742-T-TG.
Other names: c.6971_6972insG, p.Ser2325fs (NM_001354905.2); c.6602_6603insG, p.Ser2202fs (NM_001354906.2, NM_001407470.1); c.7535_7536insG, p.Ser2513fs (NM_001407446.1); c.7505_7506insG, p.Ser2503fs (NM_001407447.1, NM_001407448.1, NM_001407449.1 and 1 more transcripts); c.7451_7452insG, p.Ser2485fs (NM_001407450.1, NM_001127510.3, NM_001354895.2); c.7430_7431insG, p.Ser2478fs (NM_001407451.1); c.7421_7422insG, p.Ser2475fs (NM_001407452.1); c.7274_7275insG, p.Ser2426fs (NM_001407453.1, NM_001354901.2); and 11 more; short protein forms S2356fs, S2359fs, S2384fs, S2402fs, S2444fs, S2460fs, S2475fs, S2478fs.
Identifiers: ClinVar variation 4843513 (VCV004843513.1).
Genomic context (GRCh38, chr5:112,843,045, plus strand): 5'-CTCTTTCTCCATCATCTAGACCAGCTTCTCCCACTAGGTCCCAGGCACAAACTCCAGTTT[T>TG]AAGTCCTTCCCTTCCTGATATGTCTCTATCCACACATTCGTCTGTTCAGGCTGGTGGATG-3'